The following is an entry in ClinVar:

ClinVar aggregate classification (germline): Uncertain significance. Review status: criteria provided, multiple submitters, no conflicts (2 of 4 stars). 2 submissions from 2 submitters: Uncertain significance (2). Last evaluated 2025-05-07.

Conditions:
Congenital heart defects, dysmorphic facial features, and intellectual developmental disorder (CHDFIDD). Identifiers: Orphanet 646278, MedGen C4479246, MONDO:0044302, OMIM 617360.

Allele frequency attached by ClinVar (database versions not stated): gnomAD 0.00001.
gnomAD v4.1: 21 of 1,608,012 alleles (0.0013%); highest among the groups gnomAD compares: Middle Eastern, 0.016%; no homozygotes.

Submissions (2):

Labcorp Genetics (formerly Invitae), Labcorp
Classification: Uncertain significance. Last evaluated: 2025-05-07. Review status: criteria provided, single submitter. Criteria: Invitae Variant Classification Sherloc (09022015). Collection method: clinical testing. Allele origin: germline.
Comment: This sequence change replaces serine, which is neutral and polar, with leucine, which is neutral and non-polar, at codon 1229 of the CDK13 protein (p.Ser1229Leu). This variant is present in population databases (no rsID available, gnomAD 0.006%). This variant has not been reported in the literature in individuals affected with CDK13-related conditions. ClinVar contains an entry for this variant (Variation ID: 1806072). An algorithm developed to predict the effect of missense changes on protein structure and function outputs the following: PolyPhen-2: "Benign". The leucine amino acid residue is found in multiple mammalian species, which suggests that this missense change does not adversely affect protein function. In summary, the available evidence is currently insufficient to determine the role of this variant in disease. Therefore, it has been classified as a Variant of Uncertain Significance.

Victorian Clinical Genetics Services, Murdoch Childrens Research Institute
Classification: Uncertain significance for Congenital heart defects, dysmorphic facial features, and intellectual developmental disorder. Last evaluated: 2021-05-06. Review status: criteria provided, single submitter. Criteria: ACMG Guidelines, 2015. Collection method: clinical testing. Allele origin: germline. Inheritance: Autosomal dominant inheritance. Affected: yes.
Comment: Based on the classification scheme VCGS_Germline_v1.3.3, this variant is classified as 3C-VUS. Following criteria are met: 0105 - The mechanism of disease for this gene is not clearly established. However, haploinsufficiency, dominant negative and gain of function have been suggested in the literature (PMIDs: 30904094, 29393965, 28807008). (I) 0107 - This gene is known to be associated with autosomal dominant disease. (I) 0200 - Variant is predicted to result in a missense amino acid change from serine to leucine. (I) 0251 - This variant is heterozygous. (I) 0302 - Variant is present in gnomAD (v2) <0.001 for a dominant condition (4 heterozygotes, 0 homozygotes). (SP) 0503 - Missense variant consistently predicted to be tolerated by multiple in silico tools or not conserved in placental mammals with a minor amino acid change. (SB) 0604 - Variant is not located in an established domain, motif, hotspot or informative constraint region. The variant is not located in the protein kinase domain in which all pathogenic CDK13 variants have been reported. (I) 0705 - No comparable missense variants have previous evidence for pathogenicity. (I) 0807 - This variant has no previous evidence of pathogenicity. (I) 0905 - No published segregation evidence has been identified for this variant. (I) 1007 - No published functional evidence has been identified for this variant. (I) Legend: (SP) - Supporting pathogenic, (I) - Information, (SB) - Supporting benign

Literature cited by the submitters: PubMed 28807008 (cited by Victorian Clinical Genetics Services, Murdoch Childrens Research Institute); PubMed 29393965 (cited by Victorian Clinical Genetics Services, Murdoch Childrens Research Institute); PubMed 30904094 (cited by Victorian Clinical Genetics Services, Murdoch Childrens Research Institute).

NM_003718.5(CDK13):c.3686C>T (p.Ser1229Leu)

Gene: CDK13 (cyclin dependent kinase 13; plus strand). Cytogenetic location: 7p14.1.
Variant type: single nucleotide variant.
Coding change: c.3686C>T on transcript NM_003718.5 (MANE Select); coding-DNA position 3686, C replaced by T.
Protein change: p.Ser1229Leu; replaces serine 1229 with leucine.
Molecular consequence: missense variant.
Genome position (GRCh38, 1-based): chr7:40,093,235, C>T. VCF-style: chr7-40093235-C-T. GRCh37 (hg19) VCF-style: chr7-40132834-C-T.
Other names: c.3506C>T, p.Ser1169Leu (NM_031267.4); short protein forms S1169L, S1229L.
Identifiers: ClinVar variation 1806072 (VCV001806072.3), dbSNP rs1242026856, ClinGen allele CA367295555.